The following continues an entry in ClinVar:

NM_058195.4(CDKN2A):c.194-3653G>T

ClinVar aggregate classification (germline): Pathogenic. Pathogenic (17).

Submissions 8 to 19 of 19:

ARUP Laboratories, Molecular Genetics and Genomics, ARUP Laboratories
Classification: Pathogenic. Last evaluated: 2024-03-21. Review status: criteria provided, single submitter. Criteria: ARUP Molecular Germline Variant Investigation Process 2024. Collection method: clinical testing. Allele origin: germline.
Comment: The CDKN2A c.-34G>T variant (rs1800586; ClinVar ID: 182414) is reported in the literature in multiple individuals affected with melanoma and/or pancreatic cancer and has been demonstrated to co-segregate with disease in multiple families (Andreotti 2016, Ashton-Prolla 2008, Bran 2018, Liu 1999, Overbeek 2021, Taylor 2017). This variant is found in the general population with a low overall allele frequency of 0.004% (6/146,754 alleles) in the Genome Aggregation Database (v2.1.1). This variant occurs in the 5â€™ untranslated region of the CDKN2A gene and is predicted to create a novel initiation codon that results in a truncated protein (Liu 1999). Functional analysis in multiple cell lines suggests the variant is associated with significantly reduced expression from the canonical initiation codon (Liu 1999, Andreotti 2016, Bisio 2010). Based on available information, this variant is considered to be pathogenic. References: Andreotti V et al. The CDKN2A/p16(INK) (4a) 5'UTR sequence and translational regulation: impact of novel variants predisposing to melanoma. Pigment Cell Melanoma Res. 2016 Mar;29(2):210-21. PMID: 26581427. Ashton-Prolla P et al. Clinical and molecular characterization of patients at risk for hereditary melanoma in southern Brazil. J Invest Dermatol. 2008 Feb;128(2):421-5. PMID: 17713569. Bisio A et al. Functional analysis of CDKN2A/p16INK4a 5'-UTR variants predisposing to melanoma. Hum Mol Genet. 2010 Apr 15;19(8):1479-91. PMID: 20093296. Brand R et al. Prospective study of germline genetic testing in incident cases of pancreatic adenocarcinoma. Cancer. 2018 Sep 1;124(17):3520-3527. PMID: 30067863. Liu L et al. Mutation of the CDKN2A 5' UTR creates an aberrant initiation codon and predisposes to melanoma. Nat Genet. 1999 Jan;21(1):128-32. PMID: 9916806. Overbeek KA et al. Genotype-phenotype correlations for pancreatic cancer risk in Dutch melanoma families with pathogenic CDKN2A variants. J Med Genet. 2021 Apr;58(4):264-269. PMID: 32482799. Taylor NJ et al. Germline Variation at CDKN2A and Associations with Nevus Phenotypes among Members of Melanoma Families. J Invest Dermatol. 2017 Dec;137(12):2606-2612. PMID: 28830827.

Quest Diagnostics Nichols Institute San Juan Capistrano
Classification: Pathogenic. Last evaluated: 2024-02-09. Review status: criteria provided, single submitter. Criteria: Quest Diagnostics criteria. Collection method: clinical testing. Allele origin: unknown.
Comment: The CDKN2A c.-34G>T variant has been reported in the published literature in functional studies that indicate this variant creates an out of frame translation initiation codon that results in a truncated protein and decreases translation from the wild-type start site. The variant also had a negative impact on transcriptional activity in a luciferase reporter assay (PMIDs: 9916806 (1999) and 20093296 (2010)). In addition, the variant has been reported in multiple individuals and families affected with familial melanoma (PMIDs: 16397522 (2006), 17713569 (2008), 19523171 (2009), 25780468 (2014), 26681309 (2016), 26775776 (2016), and 31567591 (2020)), and showed a strong co-segregation with disease (PMIDs: 9916806 (1999) and 10738302 (2000)). The frequency of this variant in the general population, 0.000075 (5/66812 chromosomes (Genome Aggregation Database)), is uninformative in the assessment of its pathogenicity. Based on the available information, this variant is classified as pathogenic.

Baylor Genetics
Classification: Pathogenic for Melanoma and neural system tumor syndrome. Last evaluated: 2024-01-31. Review status: criteria provided, single submitter. Criteria: ACMG Guidelines, 2015. Collection method: clinical testing. Allele origin: unknown.

Blueprint Genetics
Classification: Pathogenic for CDKN2A-related disorders. Last evaluated: 2023-09-12. Review status: criteria provided, single submitter. Criteria: ACMG Guidelines, 2015. Collection method: clinical testing. Allele origin: germline. Affected: yes. Observed: 5 variant alleles.

Department of Pathology and Laboratory Medicine, Sinai Health System
Classification: Pathogenic for Melanoma-pancreatic cancer syndrome. Last evaluated: 2023-02-01. Review status: criteria provided, single submitter. Criteria: ACMG Guidelines, 2015. Collection method: research. Allele origin: germline.

Institute of Human Genetics, Heidelberg University
Classification: Pathogenic for Melanoma, cutaneous malignant, susceptibility to, 2. Last evaluated: 2022-08-25. Review status: criteria provided, single submitter. Criteria: ACMG Guidelines, 2015. Collection method: clinical testing. Allele origin: unknown.
Comment: secondary finding

Institute for Clinical Genetics, University Hospital TU Dresden, University Hospital TU Dresden
Classification: Pathogenic. Last evaluated: 2021-11-03. Review status: criteria provided, single submitter. Criteria: ACMG Guidelines, 2015. Collection method: clinical testing. Allele origin: germline.

Laboratorio de Genetica e Diagnostico Molecular, Hospital Israelita Albert Einstein
Classification: Pathogenic for Melanoma; Ovarian neoplasm. Last evaluated: 2021-10-14. Review status: criteria provided, single submitter. Criteria: ACMG Guidelines, 2015. Collection method: clinical testing. Allele origin: germline. Affected: yes.
Comment: ACMG classification criteria: PS3 supporting, PS4 strong, PM2 moderate, PP1 strong

Mendelics
Classification: Pathogenic for Melanoma-pancreatic cancer syndrome. Last evaluated: 2019-05-28. Review status: criteria provided, single submitter. Criteria: Mendelics Assertion Criteria 2017. Collection method: clinical testing. Allele origin: unknown.

Fulgent Genetics
Classification: Pathogenic for Melanoma, cutaneous malignant, susceptibility to, 2; Melanoma and neural system tumor syndrome; Melanoma-pancreatic cancer syndrome. Last evaluated: 2018-10-31. Review status: criteria provided, single submitter. Criteria: ACMG Guidelines, 2015. Collection method: clinical testing. Allele origin: unknown.

Counsyl
Classification: Pathogenic for Melanoma-pancreatic cancer syndrome. Last evaluated: 2017-05-03. Review status: no assertion criteria provided. Collection method: clinical testing. Allele origin: unknown. Not counted in ClinVar's aggregate classification.

OMIM
Classification: risk factor for MELANOMA, CUTANEOUS MALIGNANT, SUSCEPTIBILITY TO, 2. Last evaluated: 1999-01-01. Review status: no assertion criteria provided. Collection method: literature only. Allele origin: germline. Not counted in ClinVar's aggregate classification.

Literature cited by the submitters: PubMed 9916806 (cited by 7 submitters); PubMed 20093296 (cited by 5 submitters); PubMed 16397522 (cited by 4 submitters); PubMed 19523171 (cited by 5 submitters); PubMed 31567591 (cited by 4 submitters); PubMed 18337833 (cited by 3 submitters); PubMed 10738302 (cited by 3 submitters); PubMed 17713569 (cited by 3 submitters); PubMed 18025365 (cited by 3 submitters); PubMed 25023876 (cited by Color Diagnostics, LLC DBA Color Health); PubMed 25780468 (cited by 3 submitters); PubMed 26581427 (cited by Color Diagnostics, LLC DBA Color Health); PubMed 26681309 (cited by 4 submitters); PubMed 26775776 (cited by 3 submitters); PubMed 29263814 (cited by Color Diagnostics, LLC DBA Color Health); PubMed 16896043 (cited by Ambry Genetics and Quest Diagnostics Nichols Institute San Juan Capistrano); PubMed 8727306 (cited by OMIM); PubMed 7881419 (cited by OMIM); PubMed 8570179 (cited by OMIM); PubMed 8653684 (cited by OMIM).